The following is an entry in ClinVar:

ClinVar aggregate classification (germline): Pathogenic (1 of 4 stars; one submission).

Conditions:
Kabuki syndrome. Also called: NIIKAWA-KUROKI SYNDROME; Kabuki make-up syndrome. Identifiers: Orphanet 2322, MedGen C0796004, MONDO:0016512.

Submission:

Labcorp Genetics (formerly Invitae), Labcorp
Classification: Pathogenic for Kabuki syndrome. Last evaluated: 2021-12-31. Review status: criteria provided, single submitter. Criteria: Invitae Variant Classification Sherloc (09022015). Collection method: clinical testing. Allele origin: germline.
Comment: For these reasons, this variant has been classified as Pathogenic. This variant has not been reported in the literature in individuals affected with KMT2D-related conditions. This variant is not present in population databases (gnomAD no frequency). This sequence change creates a premature translational stop signal (p.Pro2502Glnfs*41) in the KMT2D gene. It is expected to result in an absent or disrupted protein product. Loss-of-function variants in KMT2D are known to be pathogenic (PMID: 22126750).

Literature cited by the submitters: PubMed 22126750.

NM_003482.4(KMT2D):c.7505del (p.Pro2502fs)

Gene: KMT2D (lysine methyltransferase 2D; minus strand). Cytogenetic location: 12q13.12.
Variant type: Deletion.
Coding change: c.7505del on transcript NM_003482.4 (MANE Select); coding-DNA position 7505, one base deleted (C; older notation c.7505delC).
Protein change: p.Pro2502fs; shifts the reading frame from proline 2502.
Molecular consequence: frameshift variant.
Genome position (GRCh38, 1-based): chr12:49,040,265, G deleted on the plus strand (C on the coding strand, the reverse complement: KMT2D is on the minus strand); the first of 2 consecutive G bases (chr12:49,040,265-49,040,266); deleting either gives the same sequence. VCF-style (leftmost placement, unchanged base first): chr12-49040264-TG-T. GRCh37 (hg19) VCF-style: chr12-49434047-TG-T.
Other names: short protein forms P2502fs.
Identifiers: ClinVar variation 2068002 (VCV002068002.4), dbSNP rs2120525456, ClinGen allele CA2580086353.